The following is an entry in ClinVar:

ClinVar aggregate classification (germline): Uncertain significance. Review status: criteria provided, multiple submitters, no conflicts (2 of 4 stars). 2 submissions from 2 submitters: Uncertain significance (2). Last evaluated 2022-10-03.

Conditions:
Inborn genetic diseases. Identifiers: MedGen C0950123, MeSH D030342.
Charcot-Marie-Tooth disease axonal type 2O. Also called: CHARCOT-MARIE-TOOTH NEUROPATHY, AXONAL, TYPE 2O; CHARCOT-MARIE-TOOTH DISEASE, AXONAL, AUTOSOMAL DOMINANT, TYPE 2O; Charcot-Marie-Tooth Neuropathy Type 2O; Charcot-Marie-Tooth disease, axonal, type 20. Identifiers: Orphanet 284232, MedGen C3280220, MONDO:0013644, OMIM 614228.

Allele frequency attached by ClinVar (database versions not stated): gnomAD exomes below 0.00001.
gnomAD v4.1: 3 of 1,614,062 alleles (0.00019%); highest among the groups gnomAD compares: Non-Finnish European, 0.00025%; no homozygotes.

Submissions (2):

Ambry Genetics
Classification: Uncertain significance for Inborn genetic diseases. Last evaluated: 2022-10-03. Review status: criteria provided, single submitter. Criteria: Ambry Variant Classification Scheme 2023. Collection method: clinical testing. Allele origin: germline.

Labcorp Genetics (formerly Invitae), Labcorp
Classification: Uncertain significance for Charcot-Marie-Tooth disease axonal type 2O. Last evaluated: 2019-07-19. Review status: criteria provided, single submitter. Criteria: Invitae Variant Classification Sherloc (09022015). Collection method: clinical testing. Allele origin: germline.
Comment: This variant has not been reported in the literature in individuals with DYNC1H1-related conditions. In summary, the available evidence is currently insufficient to determine the role of this variant in disease. Therefore, it has been classified as a Variant of Uncertain Significance. Algorithms developed to predict the effect of missense changes on protein structure and function (SIFT, PolyPhen-2, Align-GVGD) all suggest that this variant is likely to be tolerated, but these predictions have not been confirmed by published functional studies and their clinical significance is uncertain. This variant is not present in population databases (ExAC no frequency). This sequence change replaces glutamine with arginine at codon 4595 of the DYNC1H1 protein (p.Gln4595Arg). The glutamine residue is moderately conserved and there is a small physicochemical difference between glutamine and arginine.

NM_001376.5(DYNC1H1):c.13784A>G (p.Gln4595Arg)

Gene: DYNC1H1 (dynein cytoplasmic 1 heavy chain 1; plus strand). Cytogenetic location: 14q32.31.
Variant type: single nucleotide variant.
Coding change: c.13784A>G on transcript NM_001376.5 (MANE Select); coding-DNA position 13784, A replaced by G.
Protein change: p.Gln4595Arg; replaces glutamine 4595 with arginine.
Molecular consequence: missense variant.
Genome position (GRCh38, 1-based): chr14:102,050,170, A>G. VCF-style: chr14-102050170-A-G. GRCh37 (hg19) VCF-style: chr14-102516507-A-G.
Other names: short protein forms Q4595R.
Identifiers: ClinVar variation 941991 (VCV000941991.10), dbSNP rs2048787955, ClinGen allele CA391052145.
Genomic context (GRCh38, chr14:102,050,170, plus strand): 5'-TGTCACTGTCCAATGCCATCTCAACCGCCCTTCCCCTGACGCAGCTGCGCTGGGTCAAGC[A>G]GACAAACACCGAGAAGAAGGCCAGTGTGGTAAGGAGGCACTGCCTTTCCCAGGCATTCTG-3'
Protein context (NP_001367.2, residues 4585-4605): LPLTQLRWVK[Gln4595Arg]TNTEKKASVV